The following is an entry in ClinVar:

NM_001291415.2(KDM6A):c.3482T>C (p.Phe1161Ser)

Gene: KDM6A (lysine demethylase 6A; plus strand). Cytogenetic location: Xp11.3.
Variant type: single nucleotide variant.
Coding change: c.3482T>C on transcript NM_001291415.2 (MANE Select); coding-DNA position 3482, T replaced by C.
Protein change: p.Phe1161Ser; replaces phenylalanine 1161 with serine.
Molecular consequence: missense variant. On other transcripts: non-coding transcript variant (1).
Genome position (GRCh38, 1-based): chrX:45,083,501, T>C. VCF-style: chrX-45083501-T-C. GRCh37 (hg19) VCF-style: chrX-44942746-T-C.
Other names: c.3347T>C, p.Phe1116Ser (NM_001291416.2, NM_001419811.1); c.3191T>C, p.Phe1064Ser (NM_001291417.2); c.3089T>C, p.Phe1030Ser (NM_001291418.2, NM_001419815.1); c.2438T>C, p.Phe813Ser (NM_001291421.2); c.3224T>C, p.Phe1075Ser (NM_001410742.1, NM_001419814.1); c.3482T>C, p.Phe1161Ser (NM_001419809.1); c.3380T>C, p.Phe1127Ser (NM_001419810.1, NM_001419813.1); c.3326T>C, p.Phe1109Ser (NM_001419812.1, NM_021140.4); short protein forms F1109S, F1161S, F1064S, F813S, F1127S, F1030S, F1075S, F1116S.
Identifiers: ClinVar variation 4745398 (VCV004745398.1).

ClinVar aggregate classification (germline): Uncertain significance (1 of 4 stars; one submission).

Conditions:
Kabuki syndrome 2 (KABUK2). Also called: KDM6A-Related Kabuki Syndrome. Identifiers: Orphanet 2322, MedGen C3275495, MONDO:0010465, OMIM 300867.

Submission:

Labcorp Genetics (formerly Invitae), Labcorp
Classification: Uncertain significance for Kabuki syndrome 2. Last evaluated: 2025-04-24. Review status: criteria provided, single submitter. Criteria: Invitae Variant Classification Sherloc (09022015). Collection method: clinical testing. Allele origin: germline.
Comment: This sequence change replaces phenylalanine, which is neutral and non-polar, with serine, which is neutral and polar, at codon 1109 of the KDM6A protein (p.Phe1109Ser). This variant is not present in population databases (gnomAD no frequency). This variant has not been reported in the literature in individuals affected with KDM6A-related conditions. Invitae Evidence Modeling of protein sequence and biophysical properties (such as structural, functional, and spatial information, amino acid conservation, physicochemical variation, residue mobility, and thermodynamic stability) indicates that this missense variant is expected to disrupt KDM6A protein function with a positive predictive value of 80%. In summary, the available evidence is currently insufficient to determine the role of this variant in disease. Therefore, it has been classified as a Variant of Uncertain Significance.